The following is an entry in ClinVar:

ClinVar aggregate classification (germline): Likely benign. Review status: criteria provided, multiple submitters, no conflicts (2 of 4 stars). 2 submissions from 2 submitters: Likely benign (2). Last evaluated 2025-11-12.

Allele frequency attached by ClinVar (database versions not stated): ExAC 0.00011; gnomAD 0.00013 and 0.00016; gnomAD exomes 0.00014; TOPMed 0.00015; 1000 Genomes Project 0.00100; 1000 Genomes Project 30x 0.00109.
gnomAD v4.1: 76 of 1,614,134 alleles (0.0047%); highest among the groups gnomAD compares: Admixed American, 0.038%; no homozygotes.

Submissions (2):

Labcorp Genetics (formerly Invitae), Labcorp
Classification: Likely benign. Last evaluated: 2025-11-12. Review status: criteria provided, single submitter. Criteria: Invitae Variant Classification Sherloc (09022015). Collection method: clinical testing. Allele origin: germline.

Center for Pediatric Genomic Medicine, Children's Mercy Hospital and Clinics
Classification: Likely benign. Last evaluated: 2016-07-13. Review status: criteria provided, single submitter. Criteria: ACMG Guidelines, 2015. Collection method: clinical testing. Allele origin: germline.
ClinVar note: Converted during submission from Likely Benign to Likely benign.

NM_001197104.2(KMT2A):c.10474G>A (p.Ala3492Thr)

Gene: KMT2A (lysine methyltransferase 2A; plus strand). Cytogenetic location: 11q23.3.
Variant type: single nucleotide variant.
Coding change: c.10474G>A on transcript NM_001197104.2 (MANE Select); coding-DNA position 10474, G replaced by A.
Protein change: p.Ala3492Thr; replaces alanine 3492 with threonine.
Molecular consequence: missense variant.
Genome position (GRCh38, 1-based): chr11:118,506,366, G>A. VCF-style: chr11-118506366-G-A. GRCh37 (hg19) VCF-style: chr11-118377081-G-A.
Other names: c.10465G>A, p.Ala3489Thr (NM_005933.4); short protein forms A3492T, A3489T.
Identifiers: ClinVar variation 377050 (VCV000377050.12), dbSNP rs559663507, ClinGen allele CA6304754.